The following is an entry in ClinVar:

NM_033026.6(PCLO):c.131A>G (p.Asp44Gly)

Gene: PCLO (piccolo presynaptic cytomatrix protein; minus strand). Cytogenetic location: 7q21.11.
Variant type: single nucleotide variant.
Coding change: c.131A>G on transcript NM_033026.6 (MANE Select); coding-DNA position 131, A replaced by G.
Protein change: p.Asp44Gly; replaces aspartic acid 44 with glycine.
Molecular consequence: missense variant.
Genome position (GRCh38, 1-based): chr7:83,162,462, T>C on the plus strand (A>G on the coding strand, the complement: PCLO is on the minus strand). VCF-style: chr7-83162462-T-C. GRCh37 (hg19) VCF-style: chr7-82791778-T-C.
Other names: c.131A>G, p.Asp44Gly (NM_014510.3); short protein forms D44G.
Identifiers: ClinVar variation 1351404 (VCV001351404.5), dbSNP rs777691000, ClinGen allele CA4321746.

ClinVar aggregate classification (germline): Uncertain significance (1 of 4 stars; one submission).

Allele frequency attached by ClinVar (database versions not stated): gnomAD exomes below 0.00001; ExAC 0.00003.
gnomAD v4.1: 5 of 1,589,434 alleles (0.00031%); highest among the groups gnomAD compares: Non-Finnish European, 0.00043%; no homozygotes.

Submission:

Labcorp Genetics (formerly Invitae), Labcorp
Classification: Uncertain significance. Last evaluated: 2021-08-24. Review status: criteria provided, single submitter. Criteria: Invitae Variant Classification Sherloc (09022015). Collection method: clinical testing. Allele origin: germline.
Comment: This sequence change replaces aspartic acid with glycine at codon 44 of the PCLO protein (p.Asp44Gly). The aspartic acid residue is weakly conserved and there is a moderate physicochemical difference between aspartic acid and glycine. This variant is present in population databases (rs777691000, ExAC 0.005%). This variant has not been reported in the literature in individuals affected with PCLO-related conditions. Algorithms developed to predict the effect of missense changes on protein structure and function are either unavailable or do not agree on the potential impact of this missense change (SIFT: "Tolerated"; PolyPhen-2: "Not Available"; Align-GVGD: "Class C0"). Algorithms developed to predict the effect of sequence changes on RNA splicing suggest that this variant may create or strengthen a splice site. In summary, the available evidence is currently insufficient to determine the role of this variant in disease. Therefore, it has been classified as a Variant of Uncertain Significance.